The following is an entry in ClinVar:

ClinVar aggregate classification (germline): Pathogenic (1 of 4 stars; one submission).

Submission:

Labcorp Genetics (formerly Invitae), Labcorp
Classification: Pathogenic. Last evaluated: 2025-10-22. Review status: criteria provided, single submitter. Criteria: Invitae Variant Classification Sherloc (09022015). Collection method: clinical testing. Allele origin: germline.
Comment: This sequence change creates a premature translational stop signal (p.Trp168*) in the HSD3B7 gene. It is expected to result in an absent or disrupted protein product. Loss-of-function variants in HSD3B7 are known to be pathogenic (PMID: 12679481). This variant is not present in population databases (gnomAD no frequency). This premature translational stop signal has been observed in individual(s) with neonatal cholestasis (PMID: 26712441). For these reasons, this variant has been classified as Pathogenic.

Literature cited by the submitters: PubMed 12679481; PubMed 26712441.

NM_025193.4(HSD3B7):c.503G>A (p.Trp168Ter)

Gene: HSD3B7 (hydroxy-delta-5-steroid dehydrogenase, 3 beta- and steroid delta-isomerase 7; plus strand). Cytogenetic location: 16p11.2.
Variant type: single nucleotide variant.
Coding change: c.503G>A on transcript NM_025193.4 (MANE Select); coding-DNA position 503, G replaced by A.
Protein change: p.Trp168Ter; replaces tryptophan 168 with a stop codon.
Molecular consequence: nonsense.
Genome position (GRCh38, 1-based): chr16:30,986,676, G>A. VCF-style: chr16-30986676-G-A. GRCh37 (hg19) VCF-style: chr16-30997997-G-A.
Other names: c.503G>A, p.Trp168Ter (NM_001142777.2, NM_001142778.2); short protein forms W168*.
Identifiers: ClinVar variation 4710259 (VCV004710259.1).